The following is an entry in ClinVar:

ClinVar aggregate classification (germline): Uncertain significance (1 of 4 stars; one submission).

Conditions:
Developmental and epileptic encephalopathy, 8 (DEE8). Also called: HYPEREKPLEXIA AND EPILEPSY. Identifiers: Orphanet 163985, Orphanet 2076, MedGen C1845102, MONDO:0010375, OMIM 300607.

Submission:

Labcorp Genetics (formerly Invitae), Labcorp
Classification: Uncertain significance for Developmental and epileptic encephalopathy, 8. Last evaluated: 2022-05-17. Review status: criteria provided, single submitter. Criteria: Invitae Variant Classification Sherloc (09022015). Collection method: clinical testing. Allele origin: germline.
Comment: This sequence change replaces glutamic acid, which is acidic and polar, with aspartic acid, which is acidic and polar, at codon 73 of the ARHGEF9 protein (p.Glu73Asp). This variant is not present in population databases (gnomAD no frequency). This variant has not been reported in the literature in individuals affected with ARHGEF9-related conditions. Algorithms developed to predict the effect of missense changes on protein structure and function (SIFT, PolyPhen-2, Align-GVGD) all suggest that this variant is likely to be tolerated. In summary, the available evidence is currently insufficient to determine the role of this variant in disease. Therefore, it has been classified as a Variant of Uncertain Significance.

NM_001353921.2(ARHGEF9):c.240G>T (p.Glu80Asp)

Gene: ARHGEF9 (Cdc42 guanine nucleotide exchange factor 9; minus strand). Cytogenetic location: Xq11.1.
Variant type: single nucleotide variant.
Coding change: c.240G>T on transcript NM_001353921.2 (MANE Select); coding-DNA position 240, G replaced by T.
Protein change: p.Glu80Asp; replaces glutamic acid 80 with aspartic acid.
Molecular consequence: missense variant. On other transcripts: 5 prime UTR variant (3).
Genome position (GRCh38, 1-based): chrX:63,706,420, C>A on the plus strand (G>T on the coding strand, the complement: ARHGEF9 is on the minus strand). VCF-style: chrX-63706420-C-A. GRCh37 (hg19) VCF-style: chrX-62926300-C-A.
Other names: c.60G>T, p.Glu20Asp (NM_001173479.2); c.-88G>T (NM_001173480.2, NM_001369042.1); c.156G>T, p.Glu52Asp (NM_001330495.2, NM_001353927.2, NM_001369041.1 and 8 more transcripts); c.240G>T, p.Glu80Asp (NM_001353922.2); c.258G>T, p.Glu86Asp (NM_001353923.1); c.39G>T, p.Glu13Asp (NM_001353924.2, NM_001353926.2, NM_001369039.1 and 1 more transcripts); c.219G>T, p.Glu73Asp (NM_001369031.1, NM_001369032.1, NM_001353928.2 and 2 more transcripts); c.-464G>T (NM_001369045.1); short protein forms E20D, E80D, E86D, E73D, E13D, E52D.
Identifiers: ClinVar variation 1995526 (VCV001995526.4), dbSNP rs1188146457, ClinGen allele CA413402362.